The following is an entry in ClinVar:

ClinVar aggregate classification (germline): Uncertain significance. Review status: criteria provided, multiple submitters, no conflicts (2 of 4 stars). 2 submissions from 2 submitters: Uncertain significance (2). Last evaluated 2025-11-19.

Conditions:
Inborn genetic diseases. Identifiers: MedGen C0950123, MeSH D030342.

Allele frequency attached by ClinVar (database versions not stated): TOPMed below 0.00001.
gnomAD v4.1: 4 of 1,540,998 alleles (0.00026%); highest among the groups gnomAD compares: Admixed American, 0.0019%; no homozygotes.

Submissions (2):

Ambry Genetics
Classification: Uncertain significance for Inborn genetic diseases. Last evaluated: 2025-11-19. Review status: criteria provided, single submitter. Criteria: Ambry Variant Classification Scheme 2023. Collection method: clinical testing. Allele origin: germline.

Labcorp Genetics (formerly Invitae), Labcorp
Classification: Uncertain significance. Last evaluated: 2021-08-24. Review status: criteria provided, single submitter. Criteria: Invitae Variant Classification Sherloc (09022015). Collection method: clinical testing. Allele origin: germline.
Comment: This sequence change replaces alanine with valine at codon 446 of the DLL3 protein (p.Ala446Val). The alanine residue is highly conserved and there is a small physicochemical difference between alanine and valine. The frequency data for this variant in the population databases is considered unreliable, as metrics indicate insufficient coverage at this position in the ExAC database. This variant has not been reported in the literature in individuals affected with DLL3-related conditions. Algorithms developed to predict the effect of missense changes on protein structure and function are either unavailable or do not agree on the potential impact of this missense change (SIFT: "Deleterious"; PolyPhen-2: "Possibly Damaging"; Align-GVGD: "Class C0"). In summary, the available evidence is currently insufficient to determine the role of this variant in disease. Therefore, it has been classified as a Variant of Uncertain Significance.

NM_203486.3(DLL3):c.1337C>T (p.Ala446Val)

Gene: DLL3 (delta like canonical Notch ligand 3; plus strand). Cytogenetic location: 19q13.2.
Variant type: single nucleotide variant.
Coding change: c.1337C>T on transcript NM_203486.3 (MANE Select); coding-DNA position 1337, C replaced by T.
Protein change: p.Ala446Val; replaces alanine 446 with valine.
Molecular consequence: missense variant.
Genome position (GRCh38, 1-based): chr19:39,507,282, C>T. VCF-style: chr19-39507282-C-T. GRCh37 (hg19) VCF-style: chr19-39997922-C-T.
Other names: c.1337C>T, p.Ala446Val (NM_016941.4); c.1337C>T (NM_016941.3); short protein forms A446V.
Identifiers: ClinVar variation 1000251 (VCV001000251.8), dbSNP rs1212612517, ClinGen allele CA405788289.